The following is an entry in ClinVar:

ClinVar aggregate classification (germline): Likely pathogenic (1 of 4 stars; one submission).

Conditions:
FOXC2-related disorder. Also called: FOXC2-related condition.

Submission:

PreventionGenetics, part of Exact Sciences
Classification: Likely pathogenic for FOXC2-related condition. Last evaluated: 2026-05-11. Review status: criteria provided, single submitter. Criteria: ACMG Guidelines, 2015. Collection method: clinical testing. Allele origin: germline.
Comment: The FOXC2 c.1226_1241del16 variant is predicted to result in a frameshift and premature protein termination (p.Gln409Profs*19). To our knowledge, this variant has not been reported in the literature or in a large population database (gnomAD), indicating this variant is rare. The FOXC2 gene has a single coding exon. Frameshift variants downstream of this variant have been reported in association with lymphoedema-distichiasis (see for example, c.1418del/p.Gly473Alafs*81 in Sholto-Douglas-Vernon et al. 2005. PubMed ID: 15906099). Frameshift variants in FOXC2 are expected to be pathogenic. This variant is interpreted as likely pathogenic.

NM_005251.3(FOXC2):c.1226_1241del (p.Gln409fs)

Gene: FOXC2 (forkhead box C2; plus strand). Cytogenetic location: 16q24.1.
Variant type: Deletion.
Coding change: c.1226_1241del on transcript NM_005251.3 (MANE Select); coding-DNA positions 1226 to 1241, 16 bases deleted (AGCCGACGCCGCAGCC).
Protein change: p.Gln409fs; shifts the reading frame from glutamine 409.
Molecular consequence: frameshift variant.
Genome position (GRCh38, 1-based): chr16:86,568,561-86,568,576, AGCCGACGCCGCAGCC deleted; deleting any 16 consecutive bases within chr16:86,568,559-86,568,576 gives the same sequence; the c. name uses the placement nearest the transcript's 3' end. VCF-style (leftmost placement, unchanged base first): chr16-86568558-CCCAGCCGACGCCGCAG-C. GRCh37 (hg19) VCF-style: chr16-86602164-CCCAGCCGACGCCGCAG-C.
Other names: short protein forms Q409fs.
Identifiers: ClinVar variation 4991426 (VCV004991426.1).
Genomic context (GRCh38, chr16:86,568,558, plus strand): 5'-ACCACCAGCACCACGGCCACCACCACCCGCAGGCGCCGCCGCCCCCGCCGGCTCCCCAGC[CCCAGCCGACGCCGCAG>C]CCCGGGGCCGCCGCGGCGCAGGCGGCCTCCTGGTATCTCAACCACAGCGGGGACCTGAAC-3'